The following is an entry in ClinVar:

NM_004493.3(HSD17B10):c.709G>A (p.Val237Ile)

Gene: HSD17B10 (hydroxysteroid 17-beta dehydrogenase 10; minus strand). Cytogenetic location: Xp11.22.
Variant type: single nucleotide variant.
Coding change: c.709G>A on transcript NM_004493.3 (MANE Select); coding-DNA position 709, G replaced by A.
Protein change: p.Val237Ile; replaces valine 237 with isoleucine.
Molecular consequence: missense variant.
Genome position (GRCh38, 1-based): chrX:53,431,481, C>T on the plus strand (G>A on the coding strand, the complement: HSD17B10 is on the minus strand). VCF-style: chrX-53431481-C-T. GRCh37 (hg19) VCF-style: chrX-53458429-C-T.
Other names: c.682G>A, p.Val228Ile (NM_001037811.2); short protein forms V228I, V237I.
Identifiers: ClinVar variation 1254132 (VCV001254132.2), dbSNP rs1370750298, ClinGen allele CA413150376.
Genomic context (GRCh38, chrX:53,431,481, plus strand): 5'-TGGCCCCATCCAGCCGGATGACCTCTCCATTGAGGAATGGGTTCTCGATGATGGCCTGTA[C>T]GAGGTGAGCATACTCAGCAGGGTCACCCAGTCGGCTAGGGAAGGGCACTTGGCTGGCCAA-3'
Protein context (NP_004484.1, residues 227-247): LGDPAEYAHL[Val237Ile]QAIIENPFLN

ClinVar aggregate classification (germline): Uncertain significance (1 of 4 stars; one submission).

Allele frequency attached by ClinVar (database versions not stated): gnomAD exomes below 0.00001; gnomAD 0.00001; TOPMed 0.00002.
gnomAD v4.1: 2 of 1,208,554 alleles (0.00017%); highest among the groups gnomAD compares: Non-Finnish European, 0.00022%; no homozygotes.

Submission:

GeneDx
Classification: Uncertain significance. Last evaluated: 2021-07-31. Review status: criteria provided, single submitter. Criteria: GeneDx Variant Classification Process June 2021. Collection method: clinical testing. Allele origin: germline. Affected: yes.
Comment: Has not been previously published as pathogenic or benign to our knowledge; Not observed at significant frequency in large population cohorts (Lek et al., 2016); In silico analysis supports that this missense variant does not alter protein structure/function